The following is an entry in ClinVar:

NM_177438.3(DICER1):c.1807C>G (p.Pro603Ala)

Gene: DICER1 (dicer 1, ribonuclease III; minus strand). Cytogenetic location: 14q32.13.
Variant type: single nucleotide variant.
Coding change: c.1807C>G on transcript NM_177438.3 (MANE Select); coding-DNA position 1807, C replaced by G.
Protein change: p.Pro603Ala; replaces proline 603 with alanine.
Molecular consequence: missense variant. On other transcripts: non-coding transcript variant (6).
Genome position (GRCh38, 1-based): chr14:95,115,767, G>C on the plus strand (C>G on the coding strand, the complement: DICER1 is on the minus strand). VCF-style: chr14-95115767-G-C. GRCh37 (hg19) VCF-style: chr14-95582104-G-C.
Other names: c.1807C>G, p.Pro603Ala (NM_001195573.1, NM_001271282.3, NM_001291628.2 and 12 more transcripts); c.1525C>G, p.Pro509Ala (NM_001395686.1); c.1402C>G, p.Pro468Ala (NM_001395687.1, NM_001395688.1, NM_001395689.1 and 3 more transcripts); c.1240C>G, p.Pro414Ala (NM_001395691.1); c.124C>G, p.Pro42Ala (NM_001395697.1); short protein forms P42A, P603A, P414A, P468A, P509A.
Identifiers: ClinVar variation 4636888 (VCV004636888.1).
Genomic context (GRCh38, chr14:95,115,767, plus strand): 5'-GACCACCATCGTCAGGCCTCAACACATATGGTGGGAAAACGTCATCATCATCCATGACAG[G>C]ATCAATGTCAGTCTCACCAGTATCAACCGACTTGGAACACTTGTTTCTCAAGATCTGAAC-3'
Protein context (NP_803187.1, residues 593-613): SVDTGETDID[Pro603Ala]VMDDDDVFPP

ClinVar aggregate classification (germline): Uncertain significance (1 of 4 stars; one submission).

Conditions:
Hereditary cancer-predisposing syndrome. Also called: Neoplastic Syndromes, Hereditary; Tumor predisposition; Hereditary Cancer Syndrome; Hereditary neoplastic syndrome. Identifiers: Orphanet 140162, MedGen C0027672, MeSH D009386, MONDO:0015356.

Submission:

Ambry Genetics
Classification: Uncertain significance for Hereditary cancer-predisposing syndrome. Last evaluated: 2025-09-26. Review status: criteria provided, single submitter. Criteria: Ambry Variant Classification Scheme 2023. Collection method: clinical testing. Allele origin: germline.
Comment: The p.P603A variant (also known as c.1807C>G), located in coding exon 10 of the DICER1 gene, results from a C to G substitution at nucleotide position 1807. The proline at codon 603 is replaced by alanine, an amino acid with highly similar properties. This amino acid position is conserved. In addition, this alteration is predicted to be tolerated by in silico analysis. Based on the available evidence, the clinical significance of this variant remains unclear.